The following is an entry in ClinVar:

NM_017950.4(CCDC40):c.552G>A (p.Leu184=)

Gene: CCDC40 (coiled-coil domain 40 molecular ruler complex subunit; plus strand). Cytogenetic location: 17q25.3.
Variant type: single nucleotide variant.
Coding change: c.552G>A on transcript NM_017950.4 (MANE Select); coding-DNA position 552, G replaced by A.
Protein change: p.Leu184=; no amino-acid change (leucine 184 retained).
Molecular consequence: synonymous variant.
Genome position (GRCh38, 1-based): chr17:80,040,270, G>A. VCF-style: chr17-80040270-G-A. GRCh37 (hg19) VCF-style: chr17-78014069-G-A.
Other names: c.552G>A, p.Leu184= (NM_001243342.2, NM_001330508.2); c.552G>A (NM_017950.3).
Identifiers: ClinVar variation 1417234 (VCV001417234.9), dbSNP rs141588728, ClinGen allele CA8813463.

ClinVar aggregate classification (germline): Uncertain significance. Review status: criteria provided, multiple submitters, no conflicts (2 of 4 stars). 4 submissions from 4 submitters: Uncertain significance (4). Last evaluated 2026-01-23.

Conditions:
Primary ciliary dyskinesia. Also called: Ciliary dyskinesia. Identifiers: Orphanet 244, MedGen C0008780, MONDO:0016575, HP:0012265.
Primary ciliary dyskinesia 15. Also called: CILIARY DYSKINESIA, PRIMARY, 15, WITH OR WITHOUT SITUS INVERSUS. Identifiers: Orphanet 244, MedGen C3151137, MONDO:0013435, OMIM 613808.

Allele frequency attached by ClinVar (database versions not stated): gnomAD exomes 0.00004 and 0.00009; ExAC 0.00014; ESP Exome Variant Server 0.00032; gnomAD 0.00044; TOPMed 0.00057; 1000 Genomes Project 30x 0.00078; 1000 Genomes Project 0.00080.
gnomAD v4.1: 122 of 1,612,714 alleles (0.0076%); highest among the groups gnomAD compares: African/African-American, 0.15%; 1 homozygote.

Submissions (7):

GeneDx
Classification: Uncertain significance. Last evaluated: 2026-01-23. Review status: criteria provided, single submitter. Criteria: GeneDx Variant Classification Process June 2021. Collection method: clinical testing. Allele origin: germline.
Comment: In silico analysis suggests that this variant does not alter splicing; Has not been previously published as pathogenic or benign to our knowledge

Labcorp Genetics (formerly Invitae), Labcorp
Classification: Uncertain significance for Primary ciliary dyskinesia. Last evaluated: 2022-08-19. Review status: criteria provided, single submitter. Criteria: Invitae Variant Classification Sherloc (09022015). Collection method: clinical testing. Allele origin: germline.
Comment: This sequence change affects codon 184 of the CCDC40 mRNA. It is a 'silent' change, meaning that it does not change the encoded amino acid sequence of the CCDC40 protein. This variant also falls at the last nucleotide of exon 3, which is part of the consensus splice site for this exon. This variant is present in population databases (rs141588728, gnomAD 0.2%). This variant has not been reported in the literature in individuals affected with CCDC40-related conditions. ClinVar contains an entry for this variant (Variation ID: 1417234). Variants that disrupt the consensus splice site are a relatively common cause of aberrant splicing (PMID: 17576681, 9536098). Algorithms developed to predict the effect of sequence changes on RNA splicing suggest that this variant is not likely to affect RNA splicing. In summary, the available evidence is currently insufficient to determine the role of this variant in disease. Therefore, it has been classified as a Variant of Uncertain Significance.

Blueprint Genetics
Classification: Uncertain significance. Last evaluated: 2022-05-05. Review status: criteria provided, single submitter. Criteria: ACMG Guidelines, 2015. Collection method: clinical testing. Allele origin: germline.

Fulgent Genetics
Classification: Uncertain significance for Primary ciliary dyskinesia 15. Last evaluated: 2021-10-06. Review status: criteria provided, single submitter. Criteria: ACMG Guidelines, 2015. Collection method: clinical testing. Allele origin: unknown.

Dr. Peter K. Rogan Lab, Western University
No classification provided (evidence only). Condition: Hepatocellular carcinoma. Review status: no classification provided. Collection method: in vitro. Allele origin: not applicable. Functional consequence: retained intron. Not counted in ClinVar's aggregate classification.

Dr. Peter K. Rogan Lab, Western University
No classification provided (evidence only). Condition: Ovarian serous cystadenocarcinoma. Review status: no classification provided. Collection method: in vitro. Allele origin: not applicable. Functional consequence: retained intron. Not counted in ClinVar's aggregate classification.

Dr. Peter K. Rogan Lab, Western University
No classification provided (evidence only). Condition: Ovarian serous cystadenocarcinoma. Review status: no classification provided. Collection method: in vitro. Allele origin: not applicable. Functional consequence: retained intron. Not counted in ClinVar's aggregate classification.

Literature cited by the submitters: PubMed 17576681 (cited by Labcorp Genetics (formerly Invitae), Labcorp); PubMed 9536098 (cited by Labcorp Genetics (formerly Invitae), Labcorp).